The following is an entry in ClinVar:

ClinVar aggregate classification (germline): Uncertain significance (1 of 4 stars; one submission).

Submission:

GeneDx
Classification: Uncertain significance. Last evaluated: 2025-02-28. Review status: criteria provided, single submitter. Criteria: GeneDx Variant Classification Process June 2021. Collection method: clinical testing. Allele origin: germline. Affected: yes.
Comment: Not observed at significant frequency in large population cohorts (gnomAD); In silico analysis supports that this missense variant has a deleterious effect on protein structure/function; Has not been previously published as pathogenic or benign to our knowledge

NM_000384.3(APOB):c.7583T>C (p.Ile2528Thr)

Gene: APOB (apolipoprotein B; minus strand). Cytogenetic location: 2p24.1.
Variant type: single nucleotide variant.
Coding change: c.7583T>C on transcript NM_000384.3 (MANE Select); coding-DNA position 7583, T replaced by C.
Protein change: p.Ile2528Thr; replaces isoleucine 2528 with threonine.
Molecular consequence: missense variant.
Genome position (GRCh38, 1-based): chr2:21,009,285, A>G on the plus strand (T>C on the coding strand, the complement: APOB is on the minus strand). VCF-style: chr2-21009285-A-G. GRCh37 (hg19) VCF-style: chr2-21232157-A-G.
Other names: short protein forms I2528T.
Identifiers: ClinVar variation 4077317 (VCV004077317.1).